The following is an entry in ClinVar:

ClinVar aggregate classification (germline): Uncertain significance (1 of 4 stars; one submission).

Conditions:
Intellectual developmental disorder with ocular anomalies and distinctive facial features (IDDOF). Identifiers: MedGen C5774238, MONDO:0859303, OMIM 620086.

Submission:

Juno Genomics, Hangzhou Juno Genomics, Inc
Classification: Uncertain significance for Intellectual developmental disorder with ocular anomalies and distinctive facial features. Review status: criteria provided, single submitter. Criteria: ACMG Guidelines, 2015. Collection method: clinical testing. Allele origin: germline.
Comment: Absent from controls (or at extremely low frequency if recessive) in Genome Aggregation Database.;Protein length changes due to in-frame deletions/insertions in a non-repeat region or stop-loss variants.

NM_138383.3(MTSS2):c.1632_1646dup (p.Ala550_Thr551insGlyLeuProThrAla)

Gene: MTSS2 (MTSS I-BAR domain containing 2; minus strand). Cytogenetic location: 16q22.1.
Variant type: Duplication.
Coding change: c.1632_1646dup on transcript NM_138383.3 (MANE Select); coding-DNA positions 1632 to 1646, 15 bases duplicated (CGCGGGGCTGCCCAC).
Protein change: p.Ala550_Thr551insGlyLeuProThrAla.
Molecular consequence: inframe insertion.
Genome position (GRCh38, 1-based): chr16:70,664,275-70,664,289, GTGGGCAGCCCCGCG duplicated on the plus strand (CGCGGGGCTGCCCAC on the coding strand, the reverse complement: MTSS2 is on the minus strand); duplicating any 15 consecutive bases within chr16:70,664,275-70,664,300 gives the same sequence; the c. name uses the placement nearest the transcript's 3' end. VCF-style (leftmost placement, unchanged base first): chr16-70664274-C-CGTGGGCAGCCCCGCG. GRCh37 (hg19) VCF-style: chr16-70698177-C-CGTGGGCAGCCCCGCG.
Identifiers: ClinVar variation 5005628 (VCV005005628.2).